The following is an entry in ClinVar:

NM_001039141.3(TRIOBP):c.4130G>A (p.Trp1377Ter)

Gene: TRIOBP (TRIO and F-actin binding protein; plus strand). Cytogenetic location: 22q13.1.
Variant type: single nucleotide variant.
Coding change: c.4130G>A on transcript NM_001039141.3 (MANE Select); coding-DNA position 4130, G replaced by A.
Protein change: p.Trp1377Ter; replaces tryptophan 1377 with a stop codon.
Molecular consequence: nonsense.
Genome position (GRCh38, 1-based): chr22:37,734,466, G>A. VCF-style: chr22-37734466-G-A. GRCh37 (hg19) VCF-style: chr22-38130473-G-A.
Other names: short protein forms W1377*.
Identifiers: ClinVar variation 504249 (VCV000504249.2), dbSNP rs747619979, ClinGen allele CA10224322.

ClinVar aggregate classification (germline): Likely pathogenic (1 of 4 stars; one submission).

Allele frequency attached by ClinVar (database versions not stated): ExAC below 0.00001; TOPMed below 0.00001; gnomAD 0.00001; gnomAD exomes 0.00001.
gnomAD v4.1: 13 of 1,612,754 alleles (0.00081%); highest among the groups gnomAD compares: African/African-American, 0.0027%; no homozygotes.

Submission:

GeneDx
Classification: Likely pathogenic. Last evaluated: 2018-02-02. Review status: criteria provided, single submitter. Criteria: GeneDx Variant Classification (06012015). Collection method: clinical testing. Allele origin: germline. Affected: yes.
Comment: The W1377X variant in the TRIOBP gene has not been reported previously as a pathogenic variant nor as a benign variant, to our knowledge. This variant is predicted to cause loss of normal protein function either through protein truncation or nonsense-mediated mRNA decay. The W1377X variant is not observed in large population cohorts (Lek et al., 2016). We interpret W1377X as a likely pathogenic variant.